The following is an entry in ClinVar:

NM_000016.6(ACADM):c.900C>T (p.Thr300=)

Gene: ACADM (acyl-CoA dehydrogenase medium chain; plus strand). Cytogenetic location: 1p31.1.
Variant type: single nucleotide variant.
Coding change: c.900C>T on transcript NM_000016.6 (MANE Select); coding-DNA position 900, C replaced by T.
Protein change: p.Thr300=; no amino-acid change (threonine 300 retained).
Molecular consequence: synonymous variant.
Genome position (GRCh38, 1-based): chr1:75,750,501, C>T. VCF-style: chr1-75750501-C-T. GRCh37 (hg19) VCF-style: chr1-76216186-C-T.
Other names: p.T300T:ACC>ACT; p.Thr300=; c.912C>T, p.Thr304= (NM_001127328.3); c.792C>T, p.Thr264= (NM_001286042.2); c.999C>T, p.Thr333= (NM_001286043.2); c.333C>T, p.Thr111= (NM_001286044.2).
Identifiers: ClinVar variation 136257 (VCV000136257.22), dbSNP rs17097429, ClinGen allele CA289249.
Genomic context (GRCh38, chr1:75,750,501, plus strand): 5'-AAAATACTAGGTAGCTGCTGGTGCTGTTGGATTAGCACAAAGAGCTTTGGATGAAGCTAC[C>T]AAGTATGCCCTGGAAAGGAAAACTTTCGGAAAGCTACTTGTAGAGGTAATTTTAATACTG-3'
Protein context (NP_000007.1, residues 290-310): GLAQRALDEA[Thr300=]KYALERKTFG

ClinVar aggregate classification (germline): Benign. Review status: criteria provided, multiple submitters, no conflicts (2 of 4 stars). 9 submissions from 9 submitters: Benign (8). 1 of the submissions does not count toward it. Last evaluated 2026-02-04.

Conditions:
Medium-chain acyl-coenzyme A dehydrogenase deficiency (ACADMD). Also called: CARNITINE DEFICIENCY SECONDARY TO MEDIUM-CHAIN ACYL-CoA DEHYDROGENASE DEFICIENCY; MCADD; Medium chain acyl-CoA dehydrogenase deficiency; MCAD Deficiency; MCADH DEFICIENCY; ACADM DEFICIENCY. Identifiers: Orphanet 42, MedGen C0220710, MONDO:0008721, OMIM 201450.

Allele frequency attached by ClinVar (database versions not stated): gnomAD 0.01131; TOPMed 0.01241; 1000 Genomes Project 30x 0.01359; ESP Exome Variant Server 0.01369; 1000 Genomes Project 0.01438.
gnomAD v4.1: 3,423 of 1,612,472 alleles (0.21%); highest among the groups gnomAD compares: African/African-American, 4%; 59 homozygotes.

Submissions (9):

Labcorp Genetics (formerly Invitae), Labcorp
Classification: Benign for Medium-chain acyl-coenzyme A dehydrogenase deficiency. Last evaluated: 2026-02-04. Review status: criteria provided, single submitter. Criteria: Invitae Variant Classification Sherloc (09022015). Collection method: clinical testing. Allele origin: germline.

Mayo Clinic Laboratories, Mayo Clinic
Classification: Benign. Last evaluated: 2024-04-19. Review status: criteria provided, single submitter. Criteria: ACMG Guidelines, 2015. Collection method: clinical testing. Allele origin: germline. Observed: 9 variant alleles.

Illumina Laboratory Services, Illumina
Classification: Benign for Medium-chain acyl-coenzyme A dehydrogenase deficiency. Last evaluated: 2017-04-27. Review status: criteria provided, single submitter. Criteria: ICSL Variant Classification Criteria 13 December 2019. Collection method: clinical testing. Allele origin: germline.
Comment: This variant was observed as part of a predisposition screen in an ostensibly healthy population. A literature search was performed for the gene, cDNA change, and amino acid change (where applicable). No publications were found based on this search. Allele frequency data from public databases was too high to be consistent with this variant causing disease. Therefore, this variant is classified as benign.

Quest Diagnostics Nichols Institute San Juan Capistrano
Classification: Benign. Last evaluated: 2017-04-13. Review status: criteria provided, single submitter. Criteria: Quest Diagnostics criteria. Collection method: clinical testing. Allele origin: germline.

Women's Health and Genetics/Laboratory Corporation of America, LabCorp
Classification: Benign. Last evaluated: 2017-03-08. Review status: criteria provided, single submitter. Criteria: LabCorp Variant Classification Summary - May 2015. Collection method: clinical testing. Allele origin: germline.
Comment: Variant summary: The ACADM c.900C>T (p.Thr300Thr) variant involves the alteration of a non-conserved nucleotide, resulting in a synonymous change. 5/5 splice prediction tools predict no significant impact on normal splicing. This variant was found in 433/110504 control chromosomes (including 12 homozygotes) from ExAC, predominantly observed in the African subpopulation at a frequency of 0.042415 (406/9572). This frequency is about 8 times the estimated maximal expected allele frequency of a pathogenic ACADM variant (0.0054233), suggesting this is likely a benign polymorphism found primarily in the populations of African origin. In addition, multiple clinical diagnostic laboratories/reputable databases have classified this variant as benign. The variant of interest has not, to our knowledge, been reported in affected individuals via publications. Taken together, this variant is classified as benign.

GeneDx
Classification: Benign. Last evaluated: 2014-01-30. Review status: criteria provided, single submitter. Criteria: GeneDx Variant Classification (06012015). Collection method: clinical testing. Allele origin: germline. Affected: yes.
Comment: This variant is considered likely benign or benign based on one or more of the following criteria: it is a conservative change, it occurs at a poorly conserved position in the protein, it is predicted to be benign by multiple in silico algorithms, and/or has population frequency not consistent with disease.

Breakthrough Genomics
Classification: Benign. Review status: criteria provided, single submitter. Criteria: ACMG Guidelines, 2015. Collection method: not provided. Allele origin: germline. Inheritance: Autosomal recessive inheritance. Affected: yes.

PreventionGenetics, part of Exact Sciences
Classification: Benign. Review status: criteria provided, single submitter. Criteria: ACMG Guidelines, 2015. Collection method: clinical testing. Allele origin: germline.

Natera, Inc.
Classification: Benign for Medium Chain Acyl-CoA Dehydrogenase Deficiency. Last evaluated: 2017-08-10. Review status: no assertion criteria provided. Collection method: clinical testing. Allele origin: germline. Not counted in ClinVar's aggregate classification.